The following is an entry in ClinVar:

ClinVar aggregate classification (germline): Pathogenic (1 of 4 stars; one submission).

Conditions:
USH2A-related disorder. Also called: USH2A-related condition; USH2A-related disorders. Identifiers: MedGen CN239332.

Submission:

Myriad Genetics, Inc.
Classification: Pathogenic for USH2A-related disorder. Last evaluated: 2026-02-26. Review status: criteria provided, single submitter. Criteria: Myriad Autosomal Dominant, Autosomal Recessive and X-Linked Classification Criteria (2023). Collection method: clinical testing. Allele origin: unknown.
Comment: NM_206933.2(USH2A):c.10421delA(Y3474Sfs*17) is a frameshift variant classified as pathogenic in the context of USH2A-related disorders. Y3474Sfs*17 has not been observed in cases with relevant disease. Relevant functional assessments of this variant are not available in the literature. Y3474Sfs*17 has not been observed in referenced population frequency databases. In summary, NM_206933.2(USH2A):c.10421delA(Y3474Sfs*17) is a frameshift variant in a gene where loss of function is a known mechanism of disease and is predicted to disrupt protein function. Please note: this variant was assessed in the context of healthy population screening.

NM_206933.4(USH2A):c.10421del (p.Tyr3474fs)

Gene: USH2A (usherin; minus strand). Cytogenetic location: 1q41.
Variant type: Deletion.
Coding change: c.10421del on transcript NM_206933.4 (MANE Select); coding-DNA position 10421, one base deleted (A; older notation c.10421delA).
Protein change: p.Tyr3474fs; shifts the reading frame from tyrosine 3474.
Molecular consequence: frameshift variant.
Genome position (GRCh38, 1-based): chr1:215,782,902, T deleted on the plus strand (A on the coding strand, the reverse complement: USH2A is on the minus strand). VCF-style (leftmost placement, unchanged base first): chr1-215782901-GT-G. GRCh37 (hg19) VCF-style: chr1-215956243-GT-G.
Other names: short protein forms Y3474fs.
Identifiers: ClinVar variation 5004500 (VCV005004500.1).